The following is an entry in ClinVar:

ClinVar aggregate classification (germline): Uncertain significance (1 of 4 stars; one submission).

Conditions:
Complex neurodevelopmental disorder. Identifiers: Orphanet 528084, MedGen C5568766, MONDO:0100038.

Submission:

Dasa
Classification: Uncertain significance for Complex neurodevelopmental disorder. Last evaluated: 2026-02-06. Review status: criteria provided, single submitter. Criteria: DASA Assertion Criteria. Collection method: clinical testing. Allele origin: germline.
Comment: NM_000836.4(GRIN2D):c.2042T>C (p.Met681Thr) is a missense variant that results in the substitution of methionine with threonine. The affected residue or protein region has prior evidence supporting clinical relevance. This variant is absent from population databases. The currently available literature and clinical evidence are not sufficient to establish a definitive association between this variant and the reported condition. Therefore, this variant is classified as a variant of uncertain significance.

NM_000836.4(GRIN2D):c.2042T>C (p.Met681Thr)

Gene: GRIN2D (glutamate ionotropic receptor NMDA type subunit 2D; plus strand). Cytogenetic location: 19q13.33.
Variant type: single nucleotide variant.
Coding change: c.2042T>C on transcript NM_000836.4 (MANE Select); coding-DNA position 2042, T replaced by C.
Protein change: p.Met681Thr; replaces methionine 681 with threonine.
Molecular consequence: missense variant.
Genome position (GRCh38, 1-based): chr19:48,419,765, T>C. VCF-style: chr19-48419765-T-C. GRCh37 (hg19) VCF-style: chr19-48923022-T-C.
Other names: short protein forms M681T.
Identifiers: ClinVar variation 4883550 (VCV004883550.2).